The following is an entry in ClinVar:

ClinVar aggregate classification (germline): Benign/Likely benign. Review status: criteria provided, multiple submitters, no conflicts (2 of 4 stars). 4 submissions from 4 submitters: Benign (3); Likely benign (1). Last evaluated 2026-10-01.

Allele frequency attached by ClinVar (database versions not stated): ESP Exome Variant Server 0.00015; gnomAD 0.00018 and 0.00058; TOPMed 0.00022; gnomAD exomes 0.00097 and 0.00172; ExAC 0.00197; 1000 Genomes Project 30x 0.00203; 1000 Genomes Project 0.00220.
gnomAD v4.1: 1,510 of 1,613,584 alleles (0.094%); highest among the groups gnomAD compares: South Asian, 1.3%; 20 homozygotes.

Submissions (4):

CeGaT Center for Human Genetics Tuebingen
Classification: Benign. Last evaluated: 2026-10-01. Review status: criteria provided, single submitter. Criteria: CeGaT Center For Human Genetics Tuebingen Variant Classification Criteria Version 2. Collection method: clinical testing. Allele origin: germline. Affected: yes. Observed: 5 variant alleles.
Comment: AIMP1: BP4, BP7, BS1, BS2

Labcorp Genetics (formerly Invitae), Labcorp
Classification: Benign. Last evaluated: 2025-12-10. Review status: criteria provided, single submitter. Criteria: Invitae Variant Classification Sherloc (09022015). Collection method: clinical testing. Allele origin: germline.

Blueprint Genetics
Classification: Likely benign. Last evaluated: 2024-10-25. Review status: criteria provided, single submitter. Criteria: ACMG Guidelines, 2015. Collection method: clinical testing. Allele origin: germline.

Breakthrough Genomics
Classification: Benign. Review status: criteria provided, single submitter. Criteria: ACMG Guidelines, 2015. Collection method: not provided. Allele origin: germline. Inheritance: Autosomal recessive inheritance. Affected: yes.

NM_001142416.2(AIMP1):c.309A>C (p.Thr103=)

Gene: AIMP1 (aminoacyl tRNA synthetase complex interacting multifunctional protein 1; plus strand). Cytogenetic location: 4q24.
Variant type: single nucleotide variant.
Coding change: c.309A>C on transcript NM_001142416.2 (MANE Select); coding-DNA position 309, A replaced by C.
Protein change: p.Thr103=; no amino-acid change (threonine 103 retained).
Molecular consequence: synonymous variant.
Genome position (GRCh38, 1-based): chr4:106,328,161, A>C. VCF-style: chr4-106328161-A-C. GRCh37 (hg19) VCF-style: chr4-107249318-A-C.
Other names: c.309A>C, p.Thr103= (NM_001142415.2, NM_004757.4).
Identifiers: ClinVar variation 771144 (VCV000771144.34), dbSNP rs151123024, ClinGen allele CA3035681.
Genomic context (GRCh38, chr4:106,328,161, plus strand): 5'-TACTCCACTGCACGCTAATTCTATGGTTTCTGAAAATGTGATACAGTCTACAGCAGTAAC[A>C]ACCGTATCTTCTGGTACCAAAGAACAGATAAAAGGAGGAACAGGAGACGAAAAGAAAGCG-3'
Protein context (NP_001135888.2, residues 93-113): SENVIQSTAV[Thr103=]TVSSGTKEQI